The following is an entry in ClinVar:

ClinVar aggregate classification (germline): Uncertain significance (1 of 4 stars; one submission).

Submission:

CeGaT Center for Human Genetics Tuebingen
Classification: Uncertain significance. Last evaluated: 2026-05-01. Review status: criteria provided, single submitter. Criteria: CeGaT Center For Human Genetics Tuebingen Variant Classification Criteria Version 2. Collection method: clinical testing. Allele origin: germline. Affected: yes. Observed: 1 variant allele.
Comment: SYNCRIP: PM2

NM_006372.5(SYNCRIP):c.-51C>T

Gene: SYNCRIP (synaptotagmin binding cytoplasmic RNA interacting protein; minus strand). Cytogenetic location: 6q14.3.
Variant type: single nucleotide variant.
Coding change: c.-51C>T on transcript NM_006372.5 (MANE Select); 51 bases upstream of the start codon, C replaced by T.
Molecular consequence: 5 prime UTR variant. On other transcripts: intron variant (2).
Genome position (GRCh38, 1-based): chr6:85,642,835, G>A on the plus strand (C>T on the coding strand, the complement: SYNCRIP is on the minus strand). VCF-style: chr6-85642835-G-A. GRCh37 (hg19) VCF-style: chr6-86352553-G-A.
Other names: c.-185C>T (NM_001159673.2, NM_001410938.1, NM_001439159.1); c.-51C>T (NM_001159674.2, NM_001159675.2, NM_001159676.2 and 3 more transcripts); c.-321C>T (NM_001253771.2); c.-13+915C>T (NM_001439160.1, NM_001439161.1).
Identifiers: ClinVar variation 4874883 (VCV004874883.2).